The following is an entry in ClinVar:

NM_000521.4(HEXB):c.1243-2A>G

Gene: HEXB (hexosaminidase subunit beta; plus strand). Cytogenetic location: 5q13.3.
Variant type: single nucleotide variant.
Coding change: c.1243-2A>G on transcript NM_000521.4 (MANE Select); the canonical splice acceptor site of the intron before coding-DNA position 1243, A replaced by G.
Molecular consequence: splice acceptor variant.
Genome position (GRCh38, 1-based): chr5:74,718,795, A>G. VCF-style: chr5-74718795-A-G. GRCh37 (hg19) VCF-style: chr5-74014620-A-G.
Other names: c.568-2A>G (NM_001292004.2).
Identifiers: ClinVar variation 93197 (VCV000093197.18), dbSNP rs398123446, ClinGen allele CA200786.

ClinVar aggregate classification (germline): Pathogenic/Likely pathogenic. Review status: criteria provided, multiple submitters, no conflicts (2 of 4 stars). 5 submissions from 5 submitters: Pathogenic (3); Likely pathogenic (1). 1 of the submissions does not count toward it. Last evaluated 2024-10-01.

Conditions:
Sandhoff disease. Also called: Beta-hexosaminidase-beta-subunit deficiency; GM2 gangliosidosis, type 2; Total hexosaminidase deficiency; Sandhoff-Jatzkewitz-Pilz disease; GM2-GANGLIOSIDOSIS, TYPE II; HEXOSAMINIDASES A AND B DEFICIENCY. Identifiers: Orphanet 796, MedGen C0036161, MONDO:0010006, OMIM 268800.

Allele frequency attached by ClinVar (database versions not stated): TOPMed below 0.00001; gnomAD exomes 0.00001.
gnomAD v4.1: 17 of 1,614,048 alleles (0.0011%); highest among the groups gnomAD compares: Non-Finnish European, 0.0014%; no homozygotes.

Submissions (5):

Labcorp Genetics (formerly Invitae), Labcorp
Classification: Pathogenic for Sandhoff disease. Last evaluated: 2024-10-01. Review status: criteria provided, single submitter. Criteria: Invitae Variant Classification Sherloc (09022015). Collection method: clinical testing. Allele origin: germline.
Comment: This sequence change affects an acceptor splice site in intron 10 of the HEXB gene. It is expected to disrupt RNA splicing. Variants that disrupt the donor or acceptor splice site typically lead to a loss of protein function (PMID: 16199547), and loss-of-function variants in HEXB are known to be pathogenic (PMID: 7550345, 18758829). This variant is present in population databases (rs398123446, gnomAD 0.002%). Disruption of this splice site has been observed in individual(s) with Sandhoff disease (internal data). In at least one individual the data is consistent with being in trans (on the opposite chromosome) from a pathogenic variant. ClinVar contains an entry for this variant (Variation ID: 93197). Algorithms developed to predict the effect of sequence changes on RNA splicing suggest that this variant may disrupt the consensus splice site. For these reasons, this variant has been classified as Pathogenic.

Fulgent Genetics
Classification: Likely pathogenic for Sandhoff disease. Last evaluated: 2024-02-27. Review status: criteria provided, single submitter. Criteria: ACMG Guidelines, 2015. Collection method: clinical testing. Allele origin: germline.

GeneDx
Classification: Pathogenic. Last evaluated: 2019-07-30. Review status: criteria provided, single submitter. Criteria: GeneDx Variant Classification Process June 2021. Collection method: clinical testing. Allele origin: germline. Affected: yes.
Comment: Has not been previously published as pathogenic or benign to our knowledge; Canonical splice site variant in a gene for which loss-of-function is a known mechanism of disease; Not observed at a significant frequency in large population cohorts (Lek et al., 2016)

Eurofins Ntd Llc (ga)
Classification: Pathogenic. Last evaluated: 2012-08-29. Review status: criteria provided, single submitter. Criteria: EGL Classification Definitions. Collection method: clinical testing. Allele origin: germline. Observed: 1 variant allele, 1 heterozygote.

Counsyl
Classification: Likely pathogenic for Sandhoff disease. Last evaluated: 2017-10-31. Review status: no assertion criteria provided. Collection method: clinical testing. Allele origin: unknown. Not counted in ClinVar's aggregate classification.

Literature cited by the submitters: PubMed 16199547 (cited by Labcorp Genetics (formerly Invitae), Labcorp); PubMed 7550345 (cited by Labcorp Genetics (formerly Invitae), Labcorp); PubMed 18758829 (cited by Labcorp Genetics (formerly Invitae), Labcorp).